The following is an entry in ClinVar:

NM_001048174.2(MUTYH):c.664G>A (p.Gly222Ser)

Gene: MUTYH (mutY DNA glycosylase; minus strand). Cytogenetic location: 1p34.1.
Variant type: single nucleotide variant.
Coding change: c.664G>A on transcript NM_001048174.2 (MANE Select); coding-DNA position 664, G replaced by A.
Protein change: p.Gly222Ser; replaces glycine 222 with serine.
Molecular consequence: missense variant. On other transcripts: non-coding transcript variant (2).
Genome position (GRCh38, 1-based): chr1:45,332,431, C>T on the plus strand (G>A on the coding strand, the complement: MUTYH is on the minus strand). VCF-style: chr1-45332431-C-T. GRCh37 (hg19) VCF-style: chr1-45798103-C-T.
Other names: c.388G>A, p.Gly130Ser (NM_001293192.2, NM_001293196.2); c.664G>A, p.Gly222Ser (NM_001293195.2, NM_001048171.2, NM_001048173.2); c.319G>A, p.Gly107Ser (NM_001350650.2, NM_001350651.2); c.739G>A, p.Gly247Ser (NM_012222.3); c.748G>A (NM_001128425.1); c.667G>A, p.Gly223Ser (NM_001048172.2); c.748G>A, p.Gly250Ser (NM_001128425.2); c.709G>A, p.Gly237Ser (NM_001293190.2); and 1 more; short protein forms G107S, G223S, G237S, G130S, G222S, G233S, G247S, G250S.
Identifiers: ClinVar variation 1367687 (VCV001367687.9), dbSNP rs2149143906, ClinGen allele CA340134825.

ClinVar aggregate classification (germline): Uncertain significance. Review status: criteria provided, multiple submitters, no conflicts (2 of 4 stars). 2 submissions from 2 submitters: Uncertain significance (2). Last evaluated 2026-03-26.

Conditions:
Hereditary cancer-predisposing syndrome. Also called: Neoplastic Syndromes, Hereditary; Tumor predisposition; Hereditary Cancer Syndrome; Hereditary neoplastic syndrome. Identifiers: Orphanet 140162, MedGen C0027672, MeSH D009386, MONDO:0015356.
Familial adenomatous polyposis 2. Also called: MYH-associated polyposis; FAP type 2; MUTYH Polyposis; COLORECTAL ADENOMATOUS POLYPOSIS, AUTOSOMAL RECESSIVE; ADENOMAS, MULTIPLE COLORECTAL, AUTOSOMAL RECESSIVE; Adenomas, multiple colorectal. Identifiers: Orphanet 220460, Orphanet 247798, MedGen C3272841, MONDO:0012041, OMIM 608456.

Submissions (2):

Ambry Genetics
Classification: Uncertain significance for Hereditary cancer-predisposing syndrome. Last evaluated: 2026-03-26. Review status: criteria provided, single submitter. Criteria: Ambry Variant Classification Scheme 2023. Collection method: clinical testing. Allele origin: germline.
Comment: The p.G250S variant (also known as c.748G>A), located in coding exon 9 of the MUTYH gene, results from a G to A substitution at nucleotide position 748. The glycine at codon 250 is replaced by serine, an amino acid with similar properties. In a massively parallel cell-based functional assay testing 7,8-dihydro-8-oxoguanine:adenine (8OG:A) repair activity, a byproduct of oxidative damage, this variant was reported to have intermediate function (Hemker SL et al. Am J Hum Genet, 2025 Sep;112:2010-2026). This amino acid position is highly conserved in available vertebrate species. In addition, the in silico prediction for this alteration is inconclusive. Based on the available evidence, the clinical significance of this variant remains unclear.

Labcorp Genetics (formerly Invitae), Labcorp
Classification: Uncertain significance for Familial adenomatous polyposis 2. Last evaluated: 2023-04-07. Review status: criteria provided, single submitter. Criteria: Invitae Variant Classification Sherloc (09022015). Collection method: clinical testing. Allele origin: germline.
Comment: This sequence change replaces glycine, which is neutral and non-polar, with serine, which is neutral and polar, at codon 250 of the MUTYH protein (p.Gly250Ser). This variant is not present in population databases (gnomAD no frequency). This variant has not been reported in the literature in individuals affected with MUTYH-related conditions. ClinVar contains an entry for this variant (Variation ID: 1367687). An algorithm developed to predict the effect of missense changes on protein structure and function (PolyPhen-2) suggests that this variant is likely to be tolerated. In summary, the available evidence is currently insufficient to determine the role of this variant in disease. Therefore, it has been classified as a Variant of Uncertain Significance.

Literature cited by the submitters: PubMed 40738107 (cited by Ambry Genetics).